The following is an entry in ClinVar:

NC_000002.11:g.(?_32339687)_(32341301_?)dup

Gene: SPAST (spastin; plus strand). Cytogenetic location: 2p22.3.
Variant type: Duplication.
Identifiers: ClinVar variation 536454 (VCV000536454.1).

ClinVar aggregate classification (germline): Likely pathogenic (1 of 4 stars; one submission).

Conditions:
Hereditary spastic paraplegia 4. Also called: Spastic Paraplegia 4; Familial spastic paraplegia autosomal dominant 2; Spastic paraplegia 4, autosomal dominant. Identifiers: Orphanet 100985, MedGen C1866855, MONDO:0008438, OMIM 182601.

Submission:

Labcorp Genetics (formerly Invitae), Labcorp
Classification: Likely pathogenic for Hereditary spastic paraplegia 4. Last evaluated: 2017-11-03. Review status: criteria provided, single submitter. Criteria: Invitae Variant Classification Sherloc (09022015). Collection method: clinical testing. Allele origin: germline.
Comment: This variant is a gross duplication of the genomic region encompassing exons 5-7 of the SPAST gene. While the exact position of the duplicated exons cannot be determined from this data, the duplicated copy of this region is likely in tandem and may result in an absent or disrupted protein product. This variant has not been reported in the literature in individuals with SPAST-related disease. Sub-genic duplications are generally in tandem (PMID: 25640679), and result in an absent or disrupted protein. Loss-of-function variants in SPAST are known to be pathogenic (PMID: 20932283). In summary, the currently available evidence indicates that the variant is pathogenic, but additional data are needed to prove that conclusively. Therefore, this variant has been classified as Likely Pathogenic.